The following is an entry in ClinVar:

ClinVar aggregate classification (germline): Pathogenic/Likely pathogenic. Review status: criteria provided, multiple submitters, no conflicts (2 of 4 stars). 3 submissions from 3 submitters: Pathogenic (1); Likely pathogenic (1). 1 of the submissions does not count toward it. Last evaluated 2025-03-05.

Conditions:
beta Thalassemia (BTHAL). Also called: Cooley's anemia; Erythroblastic anemia; Mediterranean anemia. Identifiers: Orphanet 848, MedGen C0005283, MONDO:0019402. Disease mechanism: loss of function.

Submissions (3):

Natera, Inc.
Classification: Likely pathogenic for Beta thalassemia. Last evaluated: 2025-03-05. Review status: criteria provided, single submitter. Criteria: Natera Variant Classification Schema (03/2026). Collection method: clinical testing. Allele origin: germline.
Comment: The c.-79A>C variant in HBB is a 5' untranslated region (UTR) variant located upstream of the translation start codon. This variant is rare in the general population with a frequency below the threshold expected for the associated phenotype(s). This variant has been observed in one or more individuals affected with the associated recessive disease, as either homozygous or compound heterozygous with a second variant (PMID: 3021607, 2462940, 11559932, 36890736). Computational prediction algorithms indicate this variant is likely to affect gene or protein function. Given the available evidence, this variant is classified as Likely Pathogenic.

Quest Diagnostics Nichols Institute San Juan Capistrano
Classification: Pathogenic. Last evaluated: 2023-03-14. Review status: criteria provided, single submitter. Criteria: Quest Diagnostics criteria. Collection method: clinical testing. Allele origin: unknown.
Comment: This variant has not been reported in large, multi-ethnic general populations. Based on the available information, this variant is classified as pathogenic.

The ITHANET community portal, The Cyprus Institute of Neurology and Genetics
Classification: Pathogenic for beta Thalassemia. Last evaluated: 2019-11-25. Review status: no assertion criteria provided. Collection method: curation. Allele origin: germline. Not counted in ClinVar's aggregate classification.

Literature cited by the submitters: PubMed 3021607 (cited by Natera, Inc. and Quest Diagnostics Nichols Institute San Juan Capistrano); PubMed 2462940 (cited by Natera, Inc.); PubMed 11559932 (cited by 3 submitters); PubMed 36890736 (cited by Natera, Inc.); PubMed 21423179 (cited by Quest Diagnostics Nichols Institute San Juan Capistrano); PubMed 2741940 (cited by Quest Diagnostics Nichols Institute San Juan Capistrano).

NM_000518.5(HBB):c.-79A>C

Genes: HBB (hemoglobin subunit beta; minus strand), LOC106099062 (HBB recombination region; plus strand), LOC107133510 (origin of replication at HBB; plus strand). Cytogenetic location: 11p15.4.
Variant type: single nucleotide variant.
Coding change: c.-79A>C on transcript NM_000518.5 (MANE Select); 79 bases upstream of the start codon, A replaced by C.
Genome position (GRCh38, 1-based): chr11:5,227,100, T>G on the plus strand (A>C on the coding strand, the complement: HBB is on the minus strand). VCF-style: chr11-5227100-T-G. GRCh37 (hg19) VCF-style: chr11-5248330-T-G.
Other names: -29 (A>C).
Identifiers: ClinVar variation 869288 (VCV000869288.2), dbSNP rs34598529, ClinGen allele CA916083231.
Genomic context (GRCh38, chr11:5,227,100, plus strand): 5'-CTAGTGAACACAGTTGTGTCAGAAGCAAATGTAAGCAATAGATGGCTCTGCCCTGACTTT[T>G]ATGCCCAGCCCTGGCTCCTGCCCTCCCTGCTCCTGGGAGTAGATTGGCCAACCCTAGGGT-3'